The following is an entry in ClinVar:

NM_000051.4(ATM):c.9088G>C (p.Gly3030Arg)

Genes: ATM (ATM serine/threonine kinase; plus strand), C11orf65 (chromosome 11 open reading frame 65; minus strand). Cytogenetic location: 11q22.3.
Variant type: single nucleotide variant.
Coding change: c.9088G>C on transcript NM_000051.4 (MANE Select); coding-DNA position 9088, G replaced by C.
Protein change: p.Gly3030Arg; replaces glycine 3030 with arginine.
Molecular consequence: missense variant. On other transcripts: intron variant (2).
Genome position (GRCh38, 1-based): chr11:108,365,425, G>C. VCF-style: chr11-108365425-G-C. GRCh37 (hg19) VCF-style: chr11-108236152-G-C.
Other names: c.9088G>C, p.Gly3030Arg (NM_001351834.2); c.640+20495C>G (NM_001330368.2); c.694+20495C>G (NM_001351110.2); short protein forms G3030R.
Identifiers: ClinVar variation 407712 (VCV000407712.13), dbSNP rs879254215, ClinGen allele CA16613465.

ClinVar aggregate classification (germline): Uncertain significance. Review status: criteria provided, multiple submitters, no conflicts (2 of 4 stars). 2 submissions from 2 submitters: Uncertain significance (2). Last evaluated 2020-06-10.

Conditions:
Hereditary cancer-predisposing syndrome. Also called: Neoplastic Syndromes, Hereditary; Hereditary Cancer Syndrome; Tumor predisposition; Hereditary neoplastic syndrome. Identifiers: Orphanet 140162, MedGen C0027672, MeSH D009386, MONDO:0015356.
Ataxia-telangiectasia syndrome (AT). Also called: LOUIS-BAR SYNDROME; Cerebello-oculocutaneous telangiectasia; Immunodeficiency with ataxia telangiectasia; Ataxia-telangiectasia, complementation group D; AT, COMPLEMENTATION GROUP C; Ataxia-telangiectasia, complementation group E. Identifiers: Orphanet 100, MedGen C0004135, MONDO:0008840, OMIM 208900.

Submissions (2):

Ambry Genetics
Classification: Uncertain significance for Hereditary cancer-predisposing syndrome. Last evaluated: 2020-06-10. Review status: criteria provided, single submitter. Criteria: Ambry Variant Classification Scheme 2023. Collection method: clinical testing. Allele origin: germline.
Comment: The p.G3030R variant (also known as c.9088G>C), located in coding exon 62 of the ATM gene, results from a G to C substitution at nucleotide position 9088. The glycine at codon 3030 is replaced by arginine, an amino acid with dissimilar properties. This amino acid position is highly conserved in available vertebrate species. In addition, this alteration is predicted to be deleterious by in silico analysis. Since supporting evidence is limited at this time, the clinical significance of this alteration remains unclear.

Labcorp Genetics (formerly Invitae), Labcorp
Classification: Uncertain significance for Ataxia-telangiectasia syndrome. Last evaluated: 2019-11-22. Review status: criteria provided, single submitter. Criteria: Invitae Variant Classification Sherloc (09022015). Collection method: clinical testing. Allele origin: germline.
Comment: In summary, this variant is a novel missense change with uncertain impact on protein function. It has been classified as a Variant of Uncertain Significance. Algorithms developed to predict the effect of missense changes on protein structure and function (SIFT, PolyPhen-2, Align-GVGD) all suggest that this variant is likely to be disruptive, but these predictions have not been confirmed by published functional studies. This variant is not present in population databases (ExAC no frequency) and has not been reported in the literature in individuals with an ATM-related disease. This sequence change replaces glycine with arginine at codon 3030 of the ATM protein (p.Gly3030Arg). The glycine residue is highly conserved and there is a moderate physicochemical difference between glycine and arginine.

Literature cited by the submitters: PubMed 29684080 (cited by Ambry Genetics).